The following is an entry in ClinVar:

ClinVar aggregate classification (germline): Pathogenic. Review status: criteria provided, multiple submitters, no conflicts (2 of 4 stars). 4 submissions from 4 submitters: Pathogenic (3). 1 of the submissions does not count toward it. Last evaluated 2025-03-19.

Conditions:
Cortical dysplasia-focal epilepsy syndrome (PTHSL1). Also called: Pitt-Hopkins-like syndrome 1. Identifiers: Orphanet 163681, Orphanet 221150, MedGen C2750246, MONDO:0012400, OMIM 610042.

Submissions (4):

Women's Health and Genetics/Laboratory Corporation of America, LabCorp
Classification: Pathogenic for Cortical dysplasia-focal epilepsy syndrome. Last evaluated: 2025-03-19. Review status: criteria provided, single submitter. Criteria: LabCorp Variant Classification Summary - May 2015. Collection method: clinical testing. Allele origin: germline.
Comment: Variant summary: CNTNAP2 c.3709delG (p.Asp1237IlefsX17) results in a premature termination codon, predicted to cause absence of the protein due to nonsense mediated decay, which is a commonly known mechanism for disease. The frequency data for this variant in gnomAD is considered unreliable, as metrics indicate poor data quality at this position. c.3709delG has been reported in the literature in multiple individuals affected with Pitt-Hopkins-Like Syndrome 1/Cortical dysplasia-focal epilepsy syndrome (e.g. Strauss_2006). These data indicate that the variant is very likely to be associated with disease. The following publication has been ascertained in the context of this evaluation (PMID: 16571880). ClinVar contains an entry for this variant (Variation ID: 5490). Based on the evidence outlined above, the variant was classified as pathogenic.

Labcorp Genetics (formerly Invitae), Labcorp
Classification: Pathogenic for Cortical dysplasia-focal epilepsy syndrome. Last evaluated: 2024-12-07. Review status: criteria provided, single submitter. Criteria: Invitae Variant Classification Sherloc (09022015). Collection method: clinical testing. Allele origin: germline.
Comment: This sequence change creates a premature translational stop signal (p.Asp1237Ilefs*17) in the CNTNAP2 gene. While this is not anticipated to result in nonsense mediated decay, it is expected to disrupt the last 95 amino acid(s) of the CNTNAP2 protein. This variant is present in population databases (rs775938663, gnomAD 0.0009%). This premature translational stop signal has been observed in individual(s) with autosomal recessive syndromic epilepsy (PMID: 16571880, 19302947). It has also been observed to segregate with disease in related individuals. ClinVar contains an entry for this variant (Variation ID: 5490). Algorithms developed to predict the effect of variants on gene product structure and function are not available or were not evaluated for this variant. Experimental studies have shown that this premature translational stop signal affects CNTNAP2 function (PMID: 22872700). For these reasons, this variant has been classified as Pathogenic.

GeneDx
Classification: Pathogenic. Last evaluated: 2022-09-04. Review status: criteria provided, single submitter. Criteria: GeneDx Variant Classification Process June 2021. Collection method: clinical testing. Allele origin: germline. Affected: yes.
Comment: Frameshift variant predicted to result in protein truncation as the last 95 amino acids are replaced with 16 different amino acids, although loss-of-function variants have not been reported downstream of this position in the protein; Not observed at significant frequency in large population cohorts (gnomAD); This variant is associated with the following publications: (PMID: 22872700, 23714751, 25852443, 16571880, 28588433, 31028937, 22365836, 34778490, 34471112)

OMIM
Classification: Pathogenic for PITT-HOPKINS-LIKE SYNDROME 1. Last evaluated: 2006-03-30. Review status: no assertion criteria provided. Collection method: literature only. Allele origin: germline. Not counted in ClinVar's aggregate classification.

Literature cited by the submitters: PubMed 16571880 (cited by 3 submitters); PubMed 19302947 (cited by Labcorp Genetics (formerly Invitae), Labcorp); PubMed 22872700 (cited by Labcorp Genetics (formerly Invitae), Labcorp).

NM_014141.6(CNTNAP2):c.3709del (p.Asp1237fs)

Gene: CNTNAP2 (contactin associated protein 2; plus strand). Cytogenetic location: 7q36.1.
Variant type: Deletion.
Coding change: c.3709del on transcript NM_014141.6 (MANE Select); coding-DNA position 3709, one base deleted (G; older notation c.3709delG).
Protein change: p.Asp1237fs; shifts the reading frame from aspartic acid 1237.
Molecular consequence: frameshift variant.
Genome position (GRCh38, 1-based): chr7:148,383,882, G deleted; the last of 2 consecutive G bases (chr7:148,383,881-148,383,882); deleting either gives the same sequence. VCF-style (leftmost placement, unchanged base first): chr7-148383880-TG-T. GRCh37 (hg19) VCF-style: chr7-148080972-TG-T.
Other names: c.3709del (NM_014141.5); c.3709delG (NM_014141.6); short protein forms D1237fs.
Identifiers: ClinVar variation 5490 (VCV000005490.14), dbSNP rs730880275, ClinGen allele CA212834.